The following is an entry in ClinVar:

ClinVar aggregate classification (germline): Uncertain significance (1 of 4 stars; one submission).

Conditions:
Glycogen storage disease IXd (GSD9D). Also called: GSD IXd; Muscle Phosphorylase Kinase Deficiency. Identifiers: Orphanet 715, MedGen C1845151, MONDO:0010362, OMIM 300559.

gnomAD v4.1: 1 of 1,156,975 alleles (0.000086%); no homozygotes.

Submission:

Laboratory of Inherited Metabolic Diseases, Research centre for medical genetics
Classification: Uncertain significance for Glycogen storage disease IXd. Last evaluated: 2020-02-11. Review status: criteria provided, single submitter. Criteria: ACMG Guidelines, 2015. Collection method: clinical testing. Allele origin: germline. Inheritance: X-linked inheritance. Affected: yes. Observed: 1 variant allele.

NM_002637.4(PHKA1):c.521C>G (p.Ala174Gly)

Gene: PHKA1 (phosphorylase kinase regulatory subunit alpha 1; minus strand). Cytogenetic location: Xq13.1.
Variant type: single nucleotide variant.
Coding change: c.521C>G on transcript NM_002637.4 (MANE Select); coding-DNA position 521, C replaced by G.
Protein change: p.Ala174Gly; replaces alanine 174 with glycine.
Molecular consequence: missense variant.
Genome position (GRCh38, 1-based): chrX:72,684,514, G>C on the plus strand (C>G on the coding strand, the complement: PHKA1 is on the minus strand). VCF-style: chrX-72684514-G-C. GRCh37 (hg19) VCF-style: chrX-71904364-G-C.
Other names: c.521C>G, p.Ala174Gly (NM_001122670.2, NM_001172436.2); short protein forms A174G.
Identifiers: ClinVar variation 978224 (VCV000978224.1), dbSNP rs2053946293, ClinGen allele CA413638632.